The following is an entry in ClinVar:

ClinVar aggregate classification (germline): Likely benign (0 of 4 stars; one submission).

Conditions:
ERLIN1-related disorder. Also called: ERLIN1-related condition.

Allele frequency attached by ClinVar (database versions not stated): ExAC 0.00001; gnomAD 0.00001; TOPMed 0.00002; gnomAD exomes 0.00005.
gnomAD v4.1: 69 of 1,613,890 alleles (0.0043%); highest among the groups gnomAD compares: Non-Finnish European, 0.0056%; no homozygotes.

Submission:

PreventionGenetics, part of Exact Sciences
Classification: Likely benign for ERLIN1-related condition. Last evaluated: 2019-12-16. Review status: no assertion criteria provided. Collection method: clinical testing. Allele origin: germline.
Comment: This variant is classified as likely benign based on ACMG/AMP sequence variant interpretation guidelines (Richards et al. 2015 PMID: 25741868, with internal and published modifications).

NM_006459.4(ERLIN1):c.75C>A (p.Ile25=)

Gene: ERLIN1 (ER lipid raft associated 1; minus strand). Cytogenetic location: 10q24.31.
Variant type: single nucleotide variant.
Coding change: c.75C>A on transcript NM_006459.4 (MANE Select); coding-DNA position 75, C replaced by A.
Protein change: p.Ile25=; no amino-acid change (isoleucine 25 retained).
Molecular consequence: synonymous variant. On other transcripts: 5 prime UTR variant (2), non-coding transcript variant (6).
Genome position (GRCh38, 1-based): chr10:100,185,552, G>T on the plus strand (C>A on the coding strand, the complement: ERLIN1 is on the minus strand). VCF-style: chr10-100185552-G-T. GRCh37 (hg19) VCF-style: chr10-101945309-G-T.
Other names: c.75C>A, p.Ile25= (NM_001100626.2, NM_001347857.2, NM_001347859.2 and 2 more transcripts); c.-96C>A (NM_001347856.2); c.-297C>A (NM_001347858.2).
Identifiers: ClinVar variation 3048122 (VCV003048122.2), dbSNP rs766965305, ClinGen allele CA5646187.